The following is an entry in ClinVar:

ClinVar aggregate classification (germline): Uncertain significance (1 of 4 stars; one submission).

Submission:

Labcorp Genetics (formerly Invitae), Labcorp
Classification: Uncertain significance. Last evaluated: 2023-02-02. Review status: criteria provided, single submitter. Criteria: Invitae Variant Classification Sherloc (09022015). Collection method: clinical testing. Allele origin: germline.
Comment: This sequence change replaces leucine, which is neutral and non-polar, with valine, which is neutral and non-polar, at codon 149 of the FTH1 protein (p.Leu149Val). This variant is not present in population databases (gnomAD no frequency). This variant has not been reported in the literature in individuals affected with FTH1-related conditions. Algorithms developed to predict the effect of missense changes on protein structure and function are either unavailable or do not agree on the potential impact of this missense change (SIFT: "Deleterious"; PolyPhen-2: "Possibly Damaging"; Align-GVGD: "Class C0"). In summary, the available evidence is currently insufficient to determine the role of this variant in disease. Therefore, it has been classified as a Variant of Uncertain Significance.

NM_002032.3(FTH1):c.445T>G (p.Leu149Val)

Genes: BEST1 (bestrophin 1; plus strand), FTH1 (ferritin heavy chain 1; minus strand). Cytogenetic location: 11q12.3.
Variant type: single nucleotide variant.
Coding change: c.445T>G on transcript NM_002032.3 (MANE Select); coding-DNA position 445, T replaced by G.
Protein change: p.Leu149Val; replaces leucine 149 with valine.
Molecular consequence: missense variant.
Genome position (GRCh38, 1-based): chr11:61,964,834, A>C on the plus strand (T>G on the coding strand, the complement: FTH1 is on the minus strand). VCF-style: chr11-61964834-A-C. GRCh37 (hg19) VCF-style: chr11-61732306-A-C.
Other names: short protein forms L149V.
Identifiers: ClinVar variation 2833850 (VCV002833850.3), dbSNP rs1427136243, ClinGen allele CA380854033.